The following is an entry in ClinVar:

ClinVar aggregate classification (germline): Uncertain significance (1 of 4 stars; one submission).

gnomAD v4.1: 1 of 1,209,724 alleles (0.000083%); highest among the groups gnomAD compares: Non-Finnish European, 0.00011%; no homozygotes.

Submission:

GeneDx
Classification: Uncertain significance. Last evaluated: 2026-02-11. Review status: criteria provided, single submitter. Criteria: GeneDx Variant Classification Process June 2021. Collection method: clinical testing. Allele origin: germline.
Comment: Not observed at significant frequency in large population cohorts (gnomAD); In silico analysis suggests that this missense variant does not alter protein structure/function; Has not been previously published as pathogenic or benign to our knowledge

NM_015107.3(PHF8):c.2420C>T (p.Ala807Val)

Gene: PHF8 (PHD finger protein 8; minus strand). Cytogenetic location: Xp11.22.
Variant type: single nucleotide variant.
Coding change: c.2420C>T on transcript NM_015107.3 (MANE Select); coding-DNA position 2420, C replaced by T.
Protein change: p.Ala807Val; replaces alanine 807 with valine.
Molecular consequence: missense variant.
Genome position (GRCh38, 1-based): chrX:53,984,937, G>A on the plus strand (C>T on the coding strand, the complement: PHF8 is on the minus strand). VCF-style: chrX-53984937-G-A. GRCh37 (hg19) VCF-style: chrX-54011370-G-A.
Other names: c.2528C>T, p.Ala843Val (NM_001184896.1, NM_001441097.1); c.2117C>T, p.Ala706Val (NM_001184897.2); c.2369C>T, p.Ala790Val (NM_001184898.2); c.2225C>T, p.Ala742Val (NM_001441096.1, NM_001441098.1); short protein forms A706V, A742V, A790V, A807V, A843V.
Identifiers: ClinVar variation 4976460 (VCV004976460.1).